The following is an entry in ClinVar:

NM_000312.4(PROC):c.125G>T (p.Arg42Leu)

Gene: PROC (protein C, inactivator of coagulation factors Va and VIIIa; plus strand). Cytogenetic location: 2q14.3.
Variant type: single nucleotide variant.
Coding change: c.125G>T on transcript NM_000312.4 (MANE Select); coding-DNA position 125, G replaced by T.
Protein change: p.Arg42Leu; replaces arginine 42 with leucine.
Molecular consequence: missense variant.
Genome position (GRCh38, 1-based): chr2:127,421,337, G>T. VCF-style: chr2-127421337-G-T. GRCh37 (hg19) VCF-style: chr2-128178913-G-T.
Other names: p.Arg42Leu; c.308G>T, p.Arg103Leu (NM_001375602.1); c.188G>T, p.Arg63Leu (NM_001375603.1, NM_001375604.1, NM_001375606.1); c.125G>T, p.Arg42Leu (NM_001375605.1, NM_001375608.1, NM_001375611.1 and 1 more transcripts); c.209G>T, p.Arg70Leu (NM_001375607.1); c.101G>T, p.Arg34Leu (NM_001375609.1); c.119G>T, p.Arg40Leu (NM_001375610.1); short protein forms R40L, R63L, R103L, R34L, R42L, R70L.
Identifiers: ClinVar variation 4540665 (VCV004540665.1).

ClinVar aggregate classification (germline): Likely pathogenic (1 of 4 stars; one submission).

gnomAD v4.1: 2 of 1,613,882 alleles (0.00012%); highest among the groups gnomAD compares: Non-Finnish European, 0.00017%; no homozygotes.

Submission:

Mayo Clinic Laboratories, Mayo Clinic
Classification: Likely pathogenic. Last evaluated: 2024-11-19. Review status: criteria provided, single submitter. Criteria: ACMG Guidelines, 2015. Collection method: clinical testing. Allele origin: germline. Observed: 1 variant allele.
Comment: PP3, PM1_supporting, PM2_supporting, PS3

Literature cited by the submitters: PubMed 11686318; PubMed 37393002; PubMed 38015884.